The following is an entry in ClinVar:

NM_001145438.2(PGAP2):c.35G>C (p.Gly12Ala)

Gene: PGAP2 (post-GPI attachment to proteins 2; plus strand). Cytogenetic location: 11p15.4.
Variant type: single nucleotide variant.
Coding change: c.35G>C on transcript NM_001145438.2; coding-DNA position 35, G replaced by C.
Protein change: p.Gly12Ala; replaces glycine 12 with alanine.
Molecular consequence: missense variant. On other transcripts: intron variant (1).
Genome position (GRCh38, 1-based): chr11:3,797,878, G>C. VCF-style: chr11-3797878-G-C. GRCh37 (hg19) VCF-style: chr11-3819108-G-C.
Other names: c.35G>C, p.Gly12Ala (NM_001256236.1, NM_001256237.1, NM_001283038.1 and 2 more transcripts); c.-64+135G>C (NM_001256235.2); short protein forms G12A.
Identifiers: ClinVar variation 2641518 (VCV002641518.22), dbSNP rs771751020, ClinGen allele CA5829503.

ClinVar aggregate classification (germline): Likely benign (1 of 4 stars; one submission).

Allele frequency attached by ClinVar (database versions not stated): ExAC 0.00026.
gnomAD v4.1: 126 of 1,550,202 alleles (0.0081%); highest among the groups gnomAD compares: Non-Finnish European, 0.0013%; no homozygotes.

Submission:

CeGaT Center for Human Genetics Tuebingen
Classification: Likely benign. Last evaluated: 2023-03-01. Review status: criteria provided, single submitter. Criteria: CeGaT Center For Human Genetics Tuebingen Variant Classification Criteria Version 2. Collection method: clinical testing. Allele origin: germline. Affected: yes. Observed: 1 variant allele.
Comment: PGAP2: BP4